The following is an entry in ClinVar:

NM_001303256.3(MORC2):c.3031G>A (p.Asp1011Asn)

Gene: MORC2 (MORC family CW-type zinc finger 2; minus strand). Cytogenetic location: 22q12.2.
Variant type: single nucleotide variant.
Coding change: c.3031G>A on transcript NM_001303256.3 (MANE Select); coding-DNA position 3031, G replaced by A.
Protein change: p.Asp1011Asn; replaces aspartic acid 1011 with asparagine.
Molecular consequence: missense variant.
Genome position (GRCh38, 1-based): chr22:30,926,871, C>T on the plus strand (G>A on the coding strand, the complement: MORC2 is on the minus strand). VCF-style: chr22-30926871-C-T. GRCh37 (hg19) VCF-style: chr22-31322858-C-T.
Other names: c.3022G>A, p.Asp1008Asn (NM_001303257.2); c.2845G>A, p.Asp949Asn (NM_014941.3); short protein forms D1008N, D1011N, D949N.
Identifiers: ClinVar variation 1802195 (VCV001802195.3), dbSNP rs1342054043, ClinGen allele CA411228892.

ClinVar aggregate classification (germline): Likely pathogenic (1 of 4 stars; one submission).

Conditions:
Charcot-Marie-Tooth disease axonal type 2Z. Also called: CHARCOT-MARIE-TOOTH DISEASE, AXONAL, AUTOSOMAL DOMINANT, TYPE 2Z; CHARCOT-MARIE-TOOTH NEUROPATHY, TYPE 2Z. Identifiers: Orphanet 466768, MedGen C5569025, MONDO:0014736, OMIM 616688.
Developmental delay, impaired growth, dysmorphic facies, and axonal neuropathy. Identifiers: MedGen C5436781, MONDO:0030835, OMIM 619090.

Allele frequency attached by ClinVar (database versions not stated): gnomAD exomes below 0.00001.
gnomAD v4.1: 1 of 1,613,186 alleles (0.000062%); highest among the groups gnomAD compares: Non-Finnish European, 0.000085%; no homozygotes.

Submission:

Diagnostics Services (NGS), CSIR - Centre For Cellular And Molecular Biology
Classification: Likely pathogenic for Charcot-Marie-Tooth disease axonal type 2Z; Developmental delay, impaired growth, dysmorphic facies, and axonal neuropathy. Last evaluated: 2022-06-20. Review status: criteria provided, single submitter. Criteria: ACMG Guidelines, 2015. Collection method: clinical testing. Allele origin: unknown. Affected: yes. Observed: 1 variant allele, 1 heterozygote.
Comment: The c.2845G>A variant is not present in publicly available population databases like 1000 Genomes, Exome Variant Server (EVS),Exome Aggregation Consortium (ExAC) and Indian Exome Database. The heterozygous state of the variant is present in Genome Aggregation Database (gnomAD), at a low frequency. The variant is not present in our in-house exome database. The variant was not previously reported to ClinVar, Human Genome Mutation Database (HGMD) and/or OMIM databases in any affected individuals. In-silico pathogenicity prediction programs like PolyPhen-2, MutationTaster2, CADD, Varsome etc. predicted this variant to be likely deleterious. The position is strongly conserved and this variant is predicted to affect splicing by scSNV (distance from the splice-site 1 bp), however these predictions were not confirmed by any published transcriptional studies.